The following is an entry in ClinVar:

ClinVar aggregate classification (germline): Likely benign. Review status: criteria provided, single submitter (1 of 4 stars). 2 submissions from 2 submitters: Likely benign (1). 1 of the submissions does not count toward it. Last evaluated 2025-06-12.

Conditions:
KMT2A-related disorder. Also called: KMT2A-related condition.

Allele frequency attached by ClinVar (database versions not stated): TOPMed below 0.00001; ExAC 0.00002; gnomAD 0.00001.

Submissions (2):

Labcorp Genetics (formerly Invitae), Labcorp
Classification: Likely benign. Last evaluated: 2025-06-12. Review status: criteria provided, single submitter. Criteria: Invitae Variant Classification Sherloc (09022015). Collection method: clinical testing. Allele origin: germline.

PreventionGenetics, part of Exact Sciences
Classification: Likely benign for KMT2A-related condition. Last evaluated: 2023-11-12. Review status: no assertion criteria provided. Collection method: clinical testing. Allele origin: germline. Not counted in ClinVar's aggregate classification.
Comment: This variant is classified as likely benign based on ACMG/AMP sequence variant interpretation guidelines (Richards et al. 2015 PMID: 25741868, with internal and published modifications).

NM_001197104.2(KMT2A):c.2904T>C (p.Asn968=)

Gene: KMT2A (lysine methyltransferase 2A; plus strand). Cytogenetic location: 11q23.3.
Variant type: single nucleotide variant.
Coding change: c.2904T>C on transcript NM_001197104.2 (MANE Select); coding-DNA position 2904, T replaced by C.
Protein change: p.Asn968=; no amino-acid change (asparagine 968 retained).
Molecular consequence: synonymous variant.
Genome position (GRCh38, 1-based): chr11:118,474,063, T>C. VCF-style: chr11-118474063-T-C. GRCh37 (hg19) VCF-style: chr11-118344778-T-C.
Other names: c.3003T>C, p.Asn1001= (NM_001412597.1); c.2904T>C, p.Asn968= (NM_005933.4).
Identifiers: ClinVar variation 3032443 (VCV003032443.4), dbSNP rs782238661, ClinGen allele CA6303575.
Genomic context (GRCh38, chr11:118,474,063, plus strand): 5'-GACTCTTGGGGATACAACAGCTGTCAAAACCAAAATACTTATAAAGAAAGGGAGAGGAAA[T>C]CTGGAAAAAACCAACTTGGACCTCGGCCCAACTGCCCCATCCCTGGAGAAGGAGAAAACC-3'
Protein context (NP_001184033.1, residues 958-978): TKILIKKGRG[Asn968=]LEKTNLDLGP